The following is an entry in ClinVar:

ClinVar aggregate classification (germline): Likely pathogenic. Review status: criteria provided, multiple submitters, no conflicts (2 of 4 stars). 3 submissions from 3 submitters: Likely pathogenic (3). Last evaluated 2026-07-23.

Conditions:
Hematuria. Identifiers: MedGen C0018965, HP:0000790.
Alport syndrome. Also called: Hemorrhagic familial nephritis; Hemorrhagic hereditary nephritis; Congenital hereditary hematuria. Identifiers: Orphanet 63, MedGen C1567741, MONDO:0018965.
Hematuria, benign familial, 1 (BFH1). Also called: THIN MEMBRANE NEPHROPATHY. Identifiers: MedGen CN376803, MONDO:0007709, OMIM 141200.
Autosomal recessive Alport syndrome (ATS2). Also called: Alport syndrome type 2; COL4A4 Alport Syndrome and Thin Basement Membrane Nephropathy; COL4A3-Related Nephropathy; ALPORT SYNDROME 2, AUTOSOMAL RECESSIVE. Identifiers: Orphanet 63, Orphanet 88919, MedGen C4746745, MONDO:0008762, OMIM 203780.

Submissions (3):

Genetics Laboratory, Great Ormond Street Hospital NHS Foundation Trust, North Thames Genomic Laboratory Hub
Classification: Likely pathogenic for Haematuria. Last evaluated: 2026-07-23. Review status: criteria provided, single submitter. Criteria: ACGS Best Practice Guidelines for Variant Classification in Rare Disease 2024 v1.2. Collection method: clinical testing. Allele origin: germline. Affected: yes.
Comment: PM2_moderate, PP3_supporting, PM5_supporting, PM1_strong

Fulgent Genetics
Classification: Likely pathogenic for Hematuria, benign familial, 1; Autosomal recessive Alport syndrome. Last evaluated: 2024-05-13. Review status: criteria provided, single submitter. Criteria: ACMG Guidelines, 2015. Collection method: clinical testing. Allele origin: germline.

Victorian Clinical Genetics Services, Murdoch Childrens Research Institute
Classification: Likely pathogenic for Alport syndrome. Last evaluated: 2023-07-17. Review status: criteria provided, single submitter. Criteria: ACMG Guidelines, 2015. Collection method: clinical testing. Allele origin: germline. Affected: yes.
Comment: Based on the classification scheme VCGS_Germline_v1.3.4, this variant is classified as Likely Pathogenic. Following criteria are met: 0103 - Loss of function is a known mechanism of disease for this gene and is associated with Alport syndrome. Dominant negative is a suspected mechanism of disease for this gene as it is a structural protein (PMIDs: 12028435, 24046192). (I) 0108 - This gene is associated with both recessive and dominant disease. Alport syndrome typically has biallelic inheritance, although rare cases of monoallelic inheritance have been reported (PMID: 28704582). Thin basement membrane nephropathy (TBMN) and focal segmental glomerulosclerosis (FSGS) are associated with autosomal dominant inheritance (OMIM, PMIDs: 16467446, 17942953). (I) 0200 - Variant is predicted to result in a missense amino acid change from glycine to serine. (I) 0251 - This variant is heterozygous. (I) 0301 - Variant is absent from gnomAD (both v2 and v3). (SP) 0501 - Missense variant consistently predicted to be damaging by multiple in silico tools or highly conserved with a major amino acid change. (SP) 0601 - Variant is located in the well-established functional glycine position close to a break within a G-X-Y repeat (DECIPHER, PMID: 33854215). (SP) 0705 - No comparable missense variants have previous evidence for pathogenicity. (I) 0807 - This variant has no previous evidence of pathogenicity. (I) 0905 - No published segregation evidence has been identified for this variant. (I) 1007 - No published functional evidence has been identified for this variant. (I) 1208 - Inheritance information for this variant is not currently available in this individual. (I) Legend: (SP) - Supporting pathogenic, (I) - Information, (SB) - Supporting benign

Literature cited by the submitters: PubMed 12028435 (cited by Victorian Clinical Genetics Services, Murdoch Childrens Research Institute); PubMed 16467446 (cited by Victorian Clinical Genetics Services, Murdoch Childrens Research Institute); PubMed 17942953 (cited by Victorian Clinical Genetics Services, Murdoch Childrens Research Institute); PubMed 24046192 (cited by Victorian Clinical Genetics Services, Murdoch Childrens Research Institute); PubMed 28704582 (cited by Victorian Clinical Genetics Services, Murdoch Childrens Research Institute); PubMed 33854215 (cited by Victorian Clinical Genetics Services, Murdoch Childrens Research Institute).

NM_000092.5(COL4A4):c.1267G>A (p.Gly423Ser)

Gene: COL4A4 (collagen type IV alpha 4 chain; minus strand). Cytogenetic location: 2q36.3.
Variant type: single nucleotide variant.
Coding change: c.1267G>A on transcript NM_000092.5 (MANE Select); coding-DNA position 1267, G replaced by A.
Protein change: p.Gly423Ser; replaces glycine 423 with serine.
Molecular consequence: missense variant.
Genome position (GRCh38, 1-based): chr2:227,094,227, C>T on the plus strand (G>A on the coding strand, the complement: COL4A4 is on the minus strand). VCF-style: chr2-227094227-C-T. GRCh37 (hg19) VCF-style: chr2-227958943-C-T.
Other names: short protein forms G423S.
Identifiers: ClinVar variation 3376729 (VCV003376729.3).